The following is an entry in ClinVar:

ClinVar aggregate classification (germline): Uncertain significance. Review status: criteria provided, multiple submitters, no conflicts (2 of 4 stars). 2 submissions from 2 submitters: Uncertain significance (2). Last evaluated 2025-11-06.

Conditions:
Inborn genetic diseases. Identifiers: MedGen C0950123, MeSH D030342.

Allele frequency attached by ClinVar (database versions not stated): gnomAD exomes below 0.00001; gnomAD 0.00001; TOPMed 0.00001.
gnomAD v4.1: 3 of 1,551,858 alleles (0.00019%); highest among the groups gnomAD compares: African/African-American, 0.0014%; no homozygotes.

Submissions (2):

Ambry Genetics
Classification: Uncertain significance for Inborn genetic diseases. Last evaluated: 2025-11-06. Review status: criteria provided, single submitter. Criteria: Ambry Variant Classification Scheme 2023. Collection method: clinical testing. Allele origin: germline.

Labcorp Genetics (formerly Invitae), Labcorp
Classification: Uncertain significance. Last evaluated: 2022-08-31. Review status: criteria provided, single submitter. Criteria: Invitae Variant Classification Sherloc (09022015). Collection method: clinical testing. Allele origin: germline.
Comment: This sequence change replaces glycine, which is neutral and non-polar, with aspartic acid, which is acidic and polar, at codon 1190 of the LOXHD1 protein (p.Gly1190Asp). This variant is not present in population databases (gnomAD no frequency). This variant has not been reported in the literature in individuals affected with LOXHD1-related conditions. Algorithms developed to predict the effect of missense changes on protein structure and function (SIFT, PolyPhen-2, Align-GVGD) all suggest that this variant is likely to be disruptive. In summary, the available evidence is currently insufficient to determine the role of this variant in disease. Therefore, it has been classified as a Variant of Uncertain Significance.

NM_001384474.1(LOXHD1):c.3569G>A (p.Gly1190Asp)

Gene: LOXHD1 (lipoxygenase homology PLAT domains 1; minus strand). Cytogenetic location: 18q21.1.
Variant type: single nucleotide variant.
Coding change: c.3569G>A on transcript NM_001384474.1 (MANE Select); coding-DNA position 3569, G replaced by A.
Protein change: p.Gly1190Asp; replaces glycine 1190 with aspartic acid.
Molecular consequence: missense variant. On other transcripts: 5 prime UTR variant (1).
Genome position (GRCh38, 1-based): chr18:46,545,367, C>T on the plus strand (G>A on the coding strand, the complement: LOXHD1 is on the minus strand). VCF-style: chr18-46545367-C-T. GRCh37 (hg19) VCF-style: chr18-44125330-C-T.
Other names: c.236G>A, p.Gly79Asp (NM_001145472.3); c.-53G>A (NM_001308013.2); c.3569G>A, p.Gly1190Asp (NM_144612.7); c.3569G>A (NM_144612.6); short protein forms G1190D, G79D.
Identifiers: ClinVar variation 2139340 (VCV002139340.2), dbSNP rs1677091936, ClinGen allele CA402378725.